The following is an entry in ClinVar:

NM_000245.4(MET):c.3979C>T (p.Arg1327Cys)

Gene: MET (MET proto-oncogene, receptor tyrosine kinase; plus strand). Cytogenetic location: 7q31.2.
Variant type: single nucleotide variant.
Coding change: c.3979C>T on transcript NM_000245.4 (MANE Select); coding-DNA position 3979, C replaced by T.
Protein change: p.Arg1327Cys; replaces arginine 1327 with cysteine.
Molecular consequence: missense variant.
Genome position (GRCh38, 1-based): chr7:116,795,930, C>T. VCF-style: chr7-116795930-C-T. GRCh37 (hg19) VCF-style: chr7-116435984-C-T.
Other names: c.4033C>T, p.Arg1345Cys (NM_001127500.3); c.2689C>T, p.Arg897Cys (NM_001324402.2); c.4033C>T (NM_001127500.1); short protein forms R1345C, R1327C, R897C.
Identifiers: ClinVar variation 1387536 (VCV001387536.7), dbSNP rs2117111027, ClinGen allele CA369118146.

ClinVar aggregate classification (germline): Uncertain significance. Review status: criteria provided, multiple submitters, no conflicts (2 of 4 stars). 2 submissions from 2 submitters: Uncertain significance (2). Last evaluated 2026-03-04.

Conditions:
Hereditary cancer-predisposing syndrome. Also called: Hereditary neoplastic syndrome; Tumor predisposition; Neoplastic Syndromes, Hereditary; Hereditary Cancer Syndrome. Identifiers: Orphanet 140162, MedGen C0027672, MeSH D009386, MONDO:0015356.
Renal cell carcinoma. Identifiers: Orphanet 217071, MedGen C0007134, MeSH D002292, MONDO:0005086, HP:0005584.

Allele frequency attached by ClinVar (database versions not stated): gnomAD exomes below 0.00001.
gnomAD v4.1: 3 of 1,614,162 alleles (0.00019%); highest among the groups gnomAD compares: East Asian, 0.0022%; no homozygotes.

Submissions (2):

Ambry Genetics
Classification: Uncertain significance for Hereditary cancer-predisposing syndrome. Last evaluated: 2026-03-04. Review status: criteria provided, single submitter. Criteria: Ambry Variant Classification Scheme 2023. Collection method: clinical testing. Allele origin: germline.
Comment: The p.R1345C variant (also known as c.4033C>T), located in coding exon 20 of the MET gene, results from a C to T substitution at nucleotide position 4033. The arginine at codon 1345 is replaced by cysteine, an amino acid with highly dissimilar properties. This amino acid position is highly conserved in available vertebrate species. In addition, this alteration is predicted to be deleterious by in silico analysis. Based on the available evidence, the clinical significance of this variant remains unclear.

Labcorp Genetics (formerly Invitae), Labcorp
Classification: Uncertain significance for Renal cell carcinoma. Last evaluated: 2025-11-03. Review status: criteria provided, single submitter. Criteria: Invitae Variant Classification Sherloc (09022015). Collection method: clinical testing. Allele origin: germline.
Comment: This sequence change replaces arginine, which is basic and polar, with cysteine, which is neutral and slightly polar, at codon 1345 of the MET protein (p.Arg1345Cys). This variant is not present in population databases (gnomAD no frequency). This variant has not been reported in the literature in individuals affected with MET-related conditions. ClinVar contains an entry for this variant (Variation ID: 1387536). Invitae Evidence Modeling of protein sequence and biophysical properties (such as structural, functional, and spatial information, amino acid conservation, physicochemical variation, residue mobility, and thermodynamic stability) indicates that this missense variant is expected to disrupt MET protein function with a positive predictive value of 80%. In summary, the available evidence is currently insufficient to determine the role of this variant in disease. Therefore, it has been classified as a Variant of Uncertain Significance.